The following is an entry in ClinVar:

NM_006662.3(SRCAP):c.2482C>T (p.Arg828Cys)

Gene: SRCAP (Snf2 related CREBBP activator protein; plus strand). Cytogenetic location: 16p11.2.
Variant type: single nucleotide variant.
Coding change: c.2482C>T on transcript NM_006662.3 (MANE Select); coding-DNA position 2482, C replaced by T.
Protein change: p.Arg828Cys; replaces arginine 828 with cysteine.
Molecular consequence: missense variant.
Genome position (GRCh38, 1-based): chr16:30,713,700, C>T. VCF-style: chr16-30713700-C-T. GRCh37 (hg19) VCF-style: chr16-30725021-C-T.
Other names: short protein forms R828C.
Identifiers: ClinVar variation 1313892 (VCV001313892.2), dbSNP rs757797624, ClinGen allele CA8011210.

ClinVar aggregate classification (germline): Uncertain significance (1 of 4 stars; one submission).

Allele frequency attached by ClinVar (database versions not stated): gnomAD exomes below 0.00001; ExAC 0.00001; gnomAD 0.00001.
gnomAD v4.1: 4 of 1,613,778 alleles (0.00025%); highest among the groups gnomAD compares: Admixed American, 0.0017%; no homozygotes.

Submission:

GeneDx
Classification: Uncertain significance. Last evaluated: 2021-01-08. Review status: criteria provided, single submitter. Criteria: GeneDx Variant Classification Process June 2021. Collection method: clinical testing. Allele origin: germline. Affected: yes.
Comment: In silico analysis supports that this missense variant has a deleterious effect on protein structure/function; Has not been previously published as pathogenic or benign to our knowledge